The following is an entry in ClinVar:

ClinVar aggregate classification (germline): Pathogenic (1 of 4 stars; one submission).

Submission:

Labcorp Genetics (formerly Invitae), Labcorp
Classification: Pathogenic. Last evaluated: 2023-01-25. Review status: criteria provided, single submitter. Criteria: Invitae Variant Classification Sherloc (09022015). Collection method: clinical testing. Allele origin: germline.
Comment: For these reasons, this variant has been classified as Pathogenic. Experimental studies have shown that this variant affects TPO function (PMID: 28867693, 32078117). Algorithms developed to predict the effect of variants on protein structure and function are not available or were not evaluated for this variant. This variant has been observed in individual(s) with clinical features of thyroid dyshormonogenesis (PMID: 25564141, 28867693, 30240412, 32078117, 32088313). In at least one individual the data is consistent with being in trans (on the opposite chromosome) from a pathogenic variant. It has also been observed to segregate with disease in related individuals. This variant is present in population databases (no rsID available, gnomAD 0.0009%). This variant, c.669_671del, results in the deletion of 1 amino acid(s) of the TPO protein (p.Asp224del), but otherwise preserves the integrity of the reading frame.

Literature cited by the submitters: PubMed 28867693; PubMed 32078117; PubMed 25564141; PubMed 30240412; PubMed 32088313.

NM_001206744.2(TPO):c.666TGA[1] (p.Asp224del)

Gene: TPO (thyroid peroxidase; plus strand). Cytogenetic location: 2p25.3.
Variant type: Microsatellite.
Coding change: c.666TGA[1] on transcript NM_001206744.2 (MANE Select); one copy of the 3-base unit TGA starting at c.666; the reference has two copies in a row; one copy, 3 bases deleted.
Protein change: p.Asp224del; deletes aspartic acid 224.
Molecular consequence: inframe deletion.
Genome position (GRCh38, 1-based): chr2:1,456,132-1,456,134, TGA deleted; deleting any 3 consecutive bases within chr2:1,456,127-1,456,134 gives the same sequence; the position shown is the placement nearest the transcript's 3' end. VCF-style (leftmost placement, unchanged base first): chr2-1456126-AGAT-A. GRCh37 (hg19) VCF-style: chr2-1459898-AGAT-A.
Other names: c.666TGA[1], p.Asp224del (NM_000547.6, NM_001206745.2, NM_175719.4 and 2 more transcripts); short protein forms D224del.
Identifiers: ClinVar variation 2910135 (VCV002910135.3), dbSNP rs1190089227, ClinGen allele CA530451071.